The following is an entry in ClinVar:

ClinVar aggregate classification (germline): Uncertain significance (1 of 4 stars; one submission).

Conditions:
PIDD1-related disorder. Also called: PIDD1-related condition.

Submission:

PreventionGenetics, part of Exact Sciences
Classification: Uncertain significance for PIDD1-related condition. Last evaluated: 2025-05-30. Review status: criteria provided, single submitter. Criteria: ACMG Guidelines, 2015. Collection method: clinical testing. Allele origin: germline.
Comment: The PIDD1 c.1188_1196del9 variant is predicted to result in an in-frame deletion (p.Trp397_Leu399del). To our knowledge, this variant has not been reported in the literature. This variant is reported in 0.12% of alleles in individuals of Latino descent in gnomAD v2 (as displayed in the table above). However, in gnomAD v4 (available only on GRCh38), this variant is reported in 0.0018% of alleles in a subpopulation. At this time, the clinical significance of this variant is uncertain due to the absence of conclusive functional and genetic evidence.

NM_145886.4(PIDD1):c.1188_1196del (p.Trp397_Leu399del)

Gene: PIDD1 (p53-induced death domain protein 1; minus strand). Cytogenetic location: 11p15.5.
Variant type: Deletion.
Coding change: c.1188_1196del on transcript NM_145886.4 (MANE Select); coding-DNA positions 1188 to 1196, 9 bases deleted (GTGGCTGCT; older notation c.1188_1196delGTGGCTGCT).
Protein change: p.Trp397_Leu399del.
Molecular consequence: inframe deletion.
Genome position (GRCh38, 1-based): chr11:802,071-802,079, AGCAGCCAC deleted on the plus strand (GTGGCTGCT on the coding strand, the reverse complement: PIDD1 is on the minus strand); deleting any 9 consecutive bases within chr11:802,071-802,082 gives the same sequence; the c. name uses the placement nearest the transcript's 3' end. VCF-style (leftmost placement, unchanged base first): chr11-802070-GAGCAGCCAC-G. GRCh37 (hg19) VCF-style: chr11-802070-GAGCAGCCAC-G.
Other names: c.1188_1196del, p.Trp397_Leu399del (NM_145887.4).
Identifiers: ClinVar variation 4989376 (VCV004989376.1).